The following is an entry in ClinVar:

NM_000368.5(TSC1):c.1976C>T (p.Ala659Val)

Gene: TSC1 (TSC complex subunit 1; minus strand). Cytogenetic location: 9q34.13.
Variant type: single nucleotide variant.
Coding change: c.1976C>T on transcript NM_000368.5 (MANE Select); coding-DNA position 1976, C replaced by T.
Protein change: p.Ala659Val; replaces alanine 659 with valine.
Molecular consequence: missense variant.
Genome position (GRCh38, 1-based): chr9:132,905,602, G>A on the plus strand (C>T on the coding strand, the complement: TSC1 is on the minus strand). VCF-style: chr9-132905602-G-A. GRCh37 (hg19) VCF-style: chr9-135780989-G-A.
Other names: c.1973C>T, p.Ala658Val (NM_001162426.2); c.1823C>T, p.Ala608Val (NM_001162427.2); c.1613C>T, p.Ala538Val (NM_001362177.2); short protein forms A659V, A538V, A608V, A658V.
Identifiers: ClinVar variation 48862 (VCV000048862.54), dbSNP rs118203609, ClinGen allele CA005692.
Genomic context (GRCh38, chr9:132,905,602, plus strand): 5'-GGACCATTTAACACAGAAGAGAGTGCCCCAGTCCCTTACTTGTTCAGCTCCTTGCTGTGC[G>A]CGTCTGCTCCCTGCTGTATCAGTCTGTCCAGCACTTCCATTGGGGAGGTAGAGGGCACAC-3'
Protein context (NP_000359.1, residues 649-669): LDRLIQQGAD[Ala659Val]HSKELNKLPL

ClinVar aggregate classification (germline): Benign/Likely benign. Review status: criteria provided, multiple submitters, no conflicts (2 of 4 stars). 9 submissions from 9 submitters: Benign (2); Likely benign (6). 1 of the submissions does not count toward it. Last evaluated 2026-02-01.

Conditions:
TSC1-related disorder. Also called: TSC1-related condition.
Hereditary cancer-predisposing syndrome. Also called: Hereditary Cancer Syndrome; Tumor predisposition; Neoplastic Syndromes, Hereditary; Hereditary neoplastic syndrome. Identifiers: Orphanet 140162, MedGen C0027672, MeSH D009386, MONDO:0015356.
Tuberous sclerosis syndrome (TSC). Also called: Tuberous Sclerosis Complex; Tuberous sclerosis. Identifiers: Orphanet 805, MedGen C0041341, MONDO:0001734.
Tuberous sclerosis 1 (TSC1). Identifiers: Orphanet 805, MedGen C1854465, MONDO:0008612, OMIM 191100.

Allele frequency attached by ClinVar (database versions not stated): gnomAD exomes below 0.00001 and 0.00002; ExAC 0.00002; gnomAD 0.00004 and 0.00005; TOPMed 0.00004; ESP Exome Variant Server 0.00015.

Submissions (9):

Labcorp Genetics (formerly Invitae), Labcorp
Classification: Benign for Tuberous sclerosis 1. Last evaluated: 2026-02-01. Review status: criteria provided, single submitter. Criteria: Invitae Variant Classification Sherloc (09022015). Collection method: clinical testing. Allele origin: germline.

PreventionGenetics, part of Exact Sciences
Classification: Likely benign for TSC1-related condition. Last evaluated: 2025-10-22. Review status: criteria provided, single submitter. Criteria: ACMG Guidelines, 2015. Collection method: clinical testing. Allele origin: germline.
Comment: This variant is classified as likely benign based on ACMG/AMP sequence variant interpretation guidelines (Richards et al. 2015 PMID: 25741868, with internal and published modifications).

Myriad Genetics, Inc.
Classification: Likely benign for Tuberous sclerosis 1. Last evaluated: 2024-08-12. Review status: criteria provided, single submitter. Criteria: Myriad Autosomal Dominant, Autosomal Recessive and X-Linked Classification Criteria (2023). Collection method: clinical testing. Allele origin: unknown.
Comment: This variant is considered likely benign. This variant has been observed at a population frequency that is significantly greater than expected given the associated disease prevalence and penetrance.

Color Diagnostics, LLC DBA Color Health
Classification: Likely benign for Tuberous sclerosis syndrome. Last evaluated: 2023-11-16. Review status: criteria provided, single submitter. Criteria: ACMG Guidelines, 2015. Collection method: clinical testing. Allele origin: germline.

CeGaT Center for Human Genetics Tuebingen
Classification: Likely benign. Last evaluated: 2022-08-01. Review status: criteria provided, single submitter. Criteria: CeGaT Center For Human Genetics Tuebingen Variant Classification Criteria Version 2. Collection method: clinical testing. Allele origin: germline. Affected: yes. Observed: 1 variant allele.
Comment: TSC1: BS2

Genome-Nilou Lab
Classification: Benign for Tuberous sclerosis 1. Last evaluated: 2021-11-07. Review status: criteria provided, single submitter. Criteria: ACMG Guidelines, 2015. Collection method: clinical testing. Allele origin: germline. Affected: no.

ARUP Laboratories, Molecular Genetics and Genomics, ARUP Laboratories
Classification: Likely benign. Last evaluated: 2019-05-14. Review status: criteria provided, single submitter. Criteria: ARUP Molecular Germline Variant Investigation Process. Collection method: clinical testing. Allele origin: germline.

Ambry Genetics
Classification: Likely benign for Hereditary cancer-predisposing syndrome. Last evaluated: 2017-07-07. Review status: criteria provided, single submitter. Criteria: Ambry Variant Classification Scheme 2023. Collection method: clinical testing. Allele origin: germline.

Tuberous sclerosis database (TSC1)
No classification provided. Condition: TSC. Review status: no classification provided. Criteria: Tuberous Sclerosis Database Assertion Criteria 2015. Collection method: curation. Allele origin: germline. Affected: yes. Not counted in ClinVar's aggregate classification.